The following is an entry in ClinVar:

ClinVar aggregate classification (germline): Uncertain significance (1 of 4 stars; one submission).

Conditions:
Cardiovascular phenotype. Identifiers: MedGen CN230736.

gnomAD v4.1: 1 of 1,587,446 alleles (0.000063%); highest among the groups gnomAD compares: Non-Finnish European, 0.000086%; no homozygotes.

Submission:

Ambry Genetics
Classification: Uncertain significance for Cardiovascular phenotype. Last evaluated: 2025-02-23. Review status: criteria provided, single submitter. Criteria: Ambry Variant Classification Scheme 2023. Collection method: clinical testing. Allele origin: germline.
Comment: The p.K187R variant (also known as c.560A>G), located in coding exon 5 of the MAP2K2 gene, results from an A to G substitution at nucleotide position 560. The lysine at codon 187 is replaced by arginine, an amino acid with highly similar properties. This amino acid position is conserved. In addition, the in silico prediction for this alteration is inconclusive. Based on the available evidence, the clinical significance of this variant remains unclear.

NM_030662.4(MAP2K2):c.560A>G (p.Lys187Arg)

Gene: MAP2K2 (mitogen-activated protein kinase kinase 2; minus strand). Cytogenetic location: 19p13.3.
Variant type: single nucleotide variant.
Coding change: c.560A>G on transcript NM_030662.4 (MANE Select); coding-DNA position 560, A replaced by G.
Protein change: p.Lys187Arg; replaces lysine 187 with arginine.
Molecular consequence: missense variant.
Genome position (GRCh38, 1-based): chr19:4,101,249, T>C on the plus strand (A>G on the coding strand, the complement: MAP2K2 is on the minus strand). VCF-style: chr19-4101249-T-C. GRCh37 (hg19) VCF-style: chr19-4101247-T-C.
Other names: short protein forms K187R.
Identifiers: ClinVar variation 3870096 (VCV003870096.1).